The following is an entry in ClinVar:

ClinVar aggregate classification (germline): Uncertain significance (1 of 4 stars; one submission).

Submission:

Women's Health and Genetics/Laboratory Corporation of America, LabCorp
Classification: Uncertain significance. Last evaluated: 2019-03-01. Review status: criteria provided, single submitter. Criteria: LabCorp Variant Classification Summary - May 2015. Collection method: clinical testing. Allele origin: germline.
Comment: Variant summary: MSH6 c.2415_2418delinsTTCT results in a synonymous change. 5/5 computational tools predict no significant impact on normal splicing. However, these predictions have yet to be confirmed by functional studies. The variant was absent in 245264 control chromosomes (gnomAD). The available data on variant occurrences in the general population are insufficient to allow any conclusion about variant significance. To our knowledge, no occurrence of c.2415_2418delinsTTCT in individuals affected with Lynch Syndrome and no experimental evidence demonstrating its impact on protein function have been reported. No clinical diagnostic laboratories have submitted clinical-significance assessments for this variant to ClinVar after 2014. Based on the evidence outlined above, the variant was classified as VUS-possibly benign.

NM_000179.3(MSH6):c.2415_2418delinsTTCT (p.Ile805_Ser806=)

Gene: MSH6 (mutS homolog 6; plus strand). Cytogenetic location: 2p16.3.
Variant type: Indel.
Coding change: c.2415_2418delinsTTCT on transcript NM_000179.3 (MANE Select); coding-DNA positions 2415 to 2418, CTCC replaced by TTCT.
Protein change: p.Ile805_Ser806=.
Molecular consequence: synonymous variant. On other transcripts: non-coding transcript variant (5), intron variant (3).
Genome position (GRCh38, 1-based): chr2:47,800,398-47,800,401, CTCC replaced by TTCT. VCF-style: chr2-47800398-CTCC-TTCT. GRCh37 (hg19) VCF-style: chr2-48027537-CTCC-TTCT.
Other names: c.2415_2418delCTCCinsTTCT, p.Ile805_Ser806= (NM_000179.2); c.2025_2028delinsTTCT, p.Ile675_Ser676= (NM_001281492.2); c.1509_1512delinsTTCT, p.Ile503_Ser504= (NM_001281493.2, NM_001281494.2, NM_001406811.1 and 6 more transcripts); c.2511_2514delinsTTCT, p.Ile837_Ser838= (NM_001406795.1, NM_001406802.1); c.2415_2418delinsTTCT, p.Ile805_Ser806= (NM_001406796.1, NM_001406798.1, NM_001406800.1 and 2 more transcripts); c.2118_2121delinsTTCT, p.Ile706_Ser707= (NM_001406797.1, NM_001406801.1, NM_001406805.1 and 10 more transcripts); c.1890_1893delinsTTCT, p.Ile630_Ser631= (NM_001406799.1, NM_001406806.1, NM_001406807.1); c.2337_2340delinsTTCT, p.Ile779_Ser780= (NM_001406804.1); and 5 more.
Identifiers: ClinVar variation 928979 (VCV000928979.1), dbSNP rs1669459551, ClinGen allele CA1139655860.